The following is an entry in ClinVar:

ClinVar aggregate classification (germline): Uncertain significance (1 of 4 stars; one submission).

Conditions:
Familial thoracic aortic aneurysm and aortic dissection (TAAD). Also called: Thoracic aortic aneurysms and dissections. Identifiers: Orphanet 91387, MedGen C4707243, MONDO:0019625.

Allele frequency attached by ClinVar (database versions not stated): gnomAD exomes below 0.00001; TOPMed 0.00002.
gnomAD v4.1: 1 of 1,613,976 alleles (0.000062%); highest among the groups gnomAD compares: African/African-American, 0.0013%; no homozygotes.

Submission:

Ambry Genetics
Classification: Uncertain significance for Familial thoracic aortic aneurysm and aortic dissection. Last evaluated: 2020-12-16. Review status: criteria provided, single submitter. Criteria: Ambry Variant Classification Scheme 2023. Collection method: clinical testing. Allele origin: germline.
Comment: The p.R50H variant (also known as c.149G>A), located in coding exon 1 of the PRKG1 gene, results from a G to A substitution at nucleotide position 149. The arginine at codon 50 is replaced by histidine, an amino acid with highly similar properties. This amino acid position is highly conserved in available vertebrate species. In addition, the in silico prediction for this alteration is inconclusive. Since supporting evidence is limited at this time, the clinical significance of this alteration remains unclear.

NM_006258.4(PRKG1):c.149G>A (p.Arg50His)

Gene: PRKG1 (protein kinase cGMP-dependent 1; plus strand). Cytogenetic location: 10q11.23.
Variant type: single nucleotide variant.
Coding change: c.149G>A on transcript NM_006258.4 (MANE Select); coding-DNA position 149, G replaced by A.
Protein change: p.Arg50His; replaces arginine 50 with histidine.
Molecular consequence: missense variant. On other transcripts: intron variant (1).
Genome position (GRCh38, 1-based): chr10:51,074,739, G>A. VCF-style: chr10-51074739-G-A. GRCh37 (hg19) VCF-style: chr10-52834499-G-A.
Other names: c.149G>A, p.Arg50His (NM_001374782.1); c.267-78425G>A (NM_001098512.3); short protein forms R50H.
Identifiers: ClinVar variation 1773956 (VCV001773956.2), dbSNP rs1382232985, ClinGen allele CA376826908.